The following is an entry in ClinVar:

NM_201384.3(PLEC):c.5873C>T (p.Thr1958Met)

Gene: PLEC (plectin; minus strand). Cytogenetic location: 8q24.3.
Variant type: single nucleotide variant.
Coding change: c.5873C>T on transcript NM_201384.3 (MANE Select); coding-DNA position 5873, C replaced by T.
Protein change: p.Thr1958Met; replaces threonine 1958 with methionine.
Molecular consequence: missense variant.
Genome position (GRCh38, 1-based): chr8:143,924,056, G>A on the plus strand (C>T on the coding strand, the complement: PLEC is on the minus strand). VCF-style: chr8-143924056-G-A. GRCh37 (hg19) VCF-style: chr8-144998224-G-A.
Other names: c.5954C>T, p.Thr1985Met (NM_000445.5); c.5831C>T, p.Thr1944Met (NM_201378.4); c.5807C>T, p.Thr1936Met (NM_201379.3); c.6284C>T, p.Thr2095Met (NM_201380.4); c.5777C>T, p.Thr1926Met (NM_201381.3); c.5873C>T, p.Thr1958Met (NM_201382.4); c.5885C>T, p.Thr1962Met (NM_201383.3); short protein forms T1926M, T1936M, T1944M, T1958M, T1962M, T1985M, T2095M.
Identifiers: ClinVar variation 196758 (VCV000196758.19), dbSNP rs200715520, ClinGen allele CA244047.

ClinVar aggregate classification (germline): Conflicting classifications of pathogenicity. Review status: criteria provided, conflicting classifications (1 of 4 stars). 5 submissions from 5 submitters: Uncertain significance (2); Likely benign (3). Last evaluated 2026-01-21.

Conditions:
PLEC-related disorder. Also called: PLEC-related condition; PLEC-related disorders.
Epidermolysis bullosa simplex 5B, with muscular dystrophy (EBS5B). Also called: EPIDERMOLYSIS BULLOSA SIMPLEX AND LIMB-GIRDLE MUSCULAR DYSTROPHY; Epidermolysis bullosa simplex with muscular dystrophy. Identifiers: Orphanet 257, MedGen C2931072, MONDO:0009181, OMIM 226670.
Epidermolysis bullosa simplex, Ogna type (EBS5A). Also called: Pidermolysis bullosa simplex 5A, Ogna type; EPIDERMOLYSIS BULLOSA SIMPLEX 5A, OGNA TYPE. Identifiers: Orphanet 79401, MedGen C0432317, MONDO:0007555, OMIM 131950.
Autosomal recessive limb-girdle muscular dystrophy type 2Q (LGMDR17). Also called: MUSCULAR DYSTROPHY, LIMB-GIRDLE, AUTOSOMAL RECESSIVE 17. Identifiers: Orphanet 254361, MedGen C3150989, MONDO:0013390, OMIM 613723.
Epidermolysis bullosa simplex with nail dystrophy (EBS5D). Identifiers: MedGen C4225309, MONDO:0014661, OMIM 616487.
Epidermolysis bullosa simplex 5C, with pyloric atresia (EBS5C). Also called: PLEC-Related Epidermolysis Bullosa with Pyloric Atresia; Epidermolysis bullosa simplex with pyloric atresia; PLEC1-Related Epidermolysis Bullosa with Pyloric Atresia. Identifiers: Orphanet 158684, MedGen C2677349, MONDO:0012807, OMIM 612138.

Allele frequency attached by ClinVar (database versions not stated): gnomAD exomes 0.00015 and 0.00033; gnomAD 0.00027 and 0.00036; ExAC 0.00045; 1000 Genomes Project 0.00060; TOPMed 0.00068; 1000 Genomes Project 30x 0.00109.
gnomAD v4.1: 294 of 1,596,732 alleles (0.018%); highest among the groups gnomAD compares: South Asian, 0.22%; 2 homozygotes.

Submissions (5):

Labcorp Genetics (formerly Invitae), Labcorp
Classification: Likely benign for Autosomal recessive limb-girdle muscular dystrophy type 2Q; Epidermolysis bullosa simplex, Ogna type; Epidermolysis bullosa simplex with nail dystrophy; Epidermolysis bullosa simplex 5C, with pyloric atresia; Epidermolysis bullosa simplex 5B, with muscular dystrophy. Last evaluated: 2026-01-21. Review status: criteria provided, single submitter. Criteria: Invitae Variant Classification Sherloc (09022015). Collection method: clinical testing. Allele origin: germline.

PreventionGenetics, part of Exact Sciences
Classification: Likely benign for PLEC-related condition. Last evaluated: 2025-06-28. Review status: criteria provided, single submitter. Criteria: ACMG Guidelines, 2015. Collection method: clinical testing. Allele origin: germline.
Comment: This variant is classified as likely benign based on ACMG/AMP sequence variant interpretation guidelines (Richards et al. 2015 PMID: 25741868, with internal and published modifications).

Revvity Omics, Revvity
Classification: Likely benign. Last evaluated: 2024-06-27. Review status: criteria provided, single submitter. Criteria: ACMG Guidelines, 2015. Collection method: clinical testing. Allele origin: germline.

GeneDx
Classification: Uncertain significance. Last evaluated: 2020-12-21. Review status: criteria provided, single submitter. Criteria: GeneDx Variant Classification Process June 2021. Collection method: clinical testing. Allele origin: germline. Affected: yes.
Comment: In silico analysis supports that this missense variant has a deleterious effect on protein structure/function; Missense variant in a gene in which most reported pathogenic variants are truncating/loss-of-function; Observed in individual with mesial temporal lobe epilepsy (Wong et al., 2018); This variant is associated with the following publications: (PMID: 29904720)

Eurofins Ntd Llc (ga)
Classification: Uncertain significance. Last evaluated: 2015-03-09. Review status: criteria provided, single submitter. Criteria: EGL Classification Definitions 2015. Collection method: clinical testing. Allele origin: germline. Observed: 3 variant alleles, 3 heterozygotes.